The following is an entry in ClinVar:

NM_006766.5(KAT6A):c.4169C>T (p.Ala1390Val)

Gene: KAT6A (lysine acetyltransferase 6A; minus strand). Cytogenetic location: 8p11.21.
Variant type: single nucleotide variant.
Coding change: c.4169C>T on transcript NM_006766.5 (MANE Select); coding-DNA position 4169, C replaced by T.
Protein change: p.Ala1390Val; replaces alanine 1390 with valine.
Molecular consequence: missense variant.
Genome position (GRCh38, 1-based): chr8:41,934,051, G>A on the plus strand (C>T on the coding strand, the complement: KAT6A is on the minus strand). VCF-style: chr8-41934051-G-A. GRCh37 (hg19) VCF-style: chr8-41791569-G-A.
Other names: short protein forms A1390V.
Identifiers: ClinVar variation 4777583 (VCV004777583.1).
Genomic context (GRCh38, chr8:41,934,051, plus strand): 5'-TTTAATTCGATTAACTCTTCCTTAGTGTGGGAGTCTTCTTCGTGGTCGTCCTCAGACCCA[G>A]CCATCTGCTCTGACACCACGGACGTGTCATGGGAAGGCTGCTCCTCTTCGGAATCCAGCT-3'
Protein context (NP_006757.2, residues 1380-1400): HDTSVVSEQM[Ala1390Val]GSEDDHEEDS

ClinVar aggregate classification (germline): Uncertain significance (1 of 4 stars; one submission).

gnomAD v4.1: 1 of 1,614,058 alleles (0.000062%); highest among the groups gnomAD compares: Non-Finnish European, 0.000085%; no homozygotes.

Submission:

Labcorp Genetics (formerly Invitae), Labcorp
Classification: Uncertain significance. Last evaluated: 2025-03-12. Review status: criteria provided, single submitter. Criteria: Invitae Variant Classification Sherloc (09022015). Collection method: clinical testing. Allele origin: germline.
Comment: This sequence change replaces alanine, which is neutral and non-polar, with valine, which is neutral and non-polar, at codon 1390 of the KAT6A protein (p.Ala1390Val). This variant is not present in population databases (gnomAD no frequency). This variant has not been reported in the literature in individuals affected with KAT6A-related conditions. Invitae Evidence Modeling of protein sequence and biophysical properties (such as structural, functional, and spatial information, amino acid conservation, physicochemical variation, residue mobility, and thermodynamic stability) indicates that this missense variant is not expected to disrupt KAT6A protein function with a negative predictive value of 95%. In summary, the available evidence is currently insufficient to determine the role of this variant in disease. Therefore, it has been classified as a Variant of Uncertain Significance.